The following is an entry in ClinVar:

NM_012243.3(SLC35A3):c.11A>C (p.Asn4Thr)

Gene: SLC35A3 (solute carrier family 35 member A3; plus strand). Cytogenetic location: 1p21.2.
Variant type: single nucleotide variant.
Coding change: c.11A>C on transcript NM_012243.3 (MANE Select); coding-DNA position 11, A replaced by C.
Protein change: p.Asn4Thr; replaces asparagine 4 with threonine.
Molecular consequence: missense variant.
Genome position (GRCh38, 1-based): chr1:99,993,565, A>C. VCF-style: chr1-99993565-A-C. GRCh37 (hg19) VCF-style: chr1-100459121-A-C.
Other names: c.11A>C, p.Asn4Thr (NM_001271684.2); c.137A>C, p.Asn46Thr (NM_001271685.2); short protein forms N46T, N4T.
Identifiers: ClinVar variation 864612 (VCV000864612.5), dbSNP rs1658214274, ClinGen allele CA341323390.

ClinVar aggregate classification (germline): Uncertain significance. Review status: criteria provided, single submitter (1 of 4 stars). 2 submissions from 2 submitters: Uncertain significance (1). 1 of the submissions does not count toward it. Last evaluated 2021-08-24.

Conditions:
Autism spectrum disorder - epilepsy - arthrogryposis syndrome (AMRS). Identifiers: Orphanet 370943, MedGen C3809910, MONDO:0014248, OMIM 615553.
Arthrogryposis multiplex congenita (AMC). Also called: Congenital multiple arthrogryposis; Fibrous ankylosis of multiple joints; Congenital arthromyodysplasia; Myodystrophia fetalis deformans; Otto syndrome; Rocher-Sheldon syndrome. Identifiers: Orphanet 1037, MedGen C5779613, MeSH D001176, MONDO:0015168, HP:0002804.

Allele frequency attached by ClinVar (database versions not stated): gnomAD exomes 0.00001.
gnomAD v4.1: 5 of 1,613,818 alleles (0.00031%); highest among the groups gnomAD compares: Non-Finnish European, 0.00042%; no homozygotes.

Submissions (2):

Labcorp Genetics (formerly Invitae), Labcorp
Classification: Uncertain significance for Autism spectrum disorder - epilepsy - arthrogryposis syndrome. Last evaluated: 2021-08-24. Review status: criteria provided, single submitter. Criteria: Invitae Variant Classification Sherloc (09022015). Collection method: clinical testing. Allele origin: germline.
Comment: This sequence change replaces asparagine with threonine at codon 4 of the SLC35A3 protein (p.Asn4Thr). The asparagine residue is moderately conserved and there is a small physicochemical difference between asparagine and threonine. This variant is not present in population databases (ExAC no frequency). This variant has not been reported in the literature in individuals affected with SLC35A3-related conditions. Algorithms developed to predict the effect of missense changes on protein structure and function are either unavailable or do not agree on the potential impact of this missense change (SIFT: "Deleterious"; PolyPhen-2: "Benign"; Align-GVGD: "Class C0"). In summary, the available evidence is currently insufficient to determine the role of this variant in disease. Therefore, it has been classified as a Variant of Uncertain Significance.

Natera, Inc.
Classification: Uncertain significance for Arthrogryposis. Last evaluated: 2020-01-24. Review status: no assertion criteria provided. Collection method: clinical testing. Allele origin: germline. Not counted in ClinVar's aggregate classification.